The following is an entry in ClinVar:

ClinVar aggregate classification (germline): Uncertain significance. Review status: criteria provided, multiple submitters, no conflicts (2 of 4 stars). 2 submissions from 2 submitters: Uncertain significance (2). Last evaluated 2021-12-19.

Conditions:
Ehlers-Danlos syndrome, spondylodysplastic type, 3. Also called: Ehlers-Danlos syndrome, spondylocheirodysplastic type. Identifiers: Orphanet 157965, MedGen C2676510, MONDO:0012873, OMIM 612350.

Allele frequency attached by ClinVar (database versions not stated): gnomAD 0.00002 and 0.00003; TOPMed 0.00003; ExAC 0.00004; gnomAD exomes 0.00004; ESP Exome Variant Server 0.00008.

Submissions (2):

Labcorp Genetics (formerly Invitae), Labcorp
Classification: Uncertain significance for Ehlers-Danlos syndrome, spondylodysplastic type, 3. Last evaluated: 2021-12-19. Review status: criteria provided, single submitter. Criteria: Invitae Variant Classification Sherloc (09022015). Collection method: clinical testing. Allele origin: germline.
Comment: This sequence change replaces arginine, which is basic and polar, with glutamine, which is neutral and polar, at codon 64 of the SLC39A13 protein (p.Arg64Gln). This variant is present in population databases (rs368519440, gnomAD 0.05%). This variant has not been reported in the literature in individuals affected with SLC39A13-related conditions. ClinVar contains an entry for this variant (Variation ID: 1008557). Algorithms developed to predict the effect of missense changes on protein structure and function (SIFT, PolyPhen-2, Align-GVGD) all suggest that this variant is likely to be tolerated. In summary, the available evidence is currently insufficient to determine the role of this variant in disease. Therefore, it has been classified as a Variant of Uncertain Significance.

Blueprint Genetics
Classification: Uncertain significance. Last evaluated: 2021-05-14. Review status: criteria provided, single submitter. Criteria: ACMG Guidelines, 2015. Collection method: clinical testing. Allele origin: germline.

NM_001128225.3(SLC39A13):c.191G>A (p.Arg64Gln)

Gene: SLC39A13 (solute carrier family 39 member 13; plus strand). Cytogenetic location: 11p11.2.
Variant type: single nucleotide variant.
Coding change: c.191G>A on transcript NM_001128225.3 (MANE Select); coding-DNA position 191, G replaced by A.
Protein change: p.Arg64Gln; replaces arginine 64 with glutamine.
Molecular consequence: missense variant. On other transcripts: non-coding transcript variant (1).
Genome position (GRCh38, 1-based): chr11:47,410,285, G>A. VCF-style: chr11-47410285-G-A. GRCh37 (hg19) VCF-style: chr11-47431836-G-A.
Other names: c.191G>A, p.Arg64Gln (NM_001330245.2, NM_152264.5); short protein forms R64Q.
Identifiers: ClinVar variation 1008557 (VCV001008557.7), dbSNP rs368519440, ClinGen allele CA5975689.